The following is an entry in ClinVar:

NM_001205254.2(OCLN):c.469G>A (p.Val157Ile)

Gene: OCLN (occludin; plus strand). Cytogenetic location: 5q13.2.
Variant type: single nucleotide variant.
Coding change: c.469G>A on transcript NM_001205254.2 (MANE Select); coding-DNA position 469, G replaced by A.
Protein change: p.Val157Ile; replaces valine 157 with isoleucine.
Molecular consequence: missense variant. On other transcripts: intron variant (1).
Genome position (GRCh38, 1-based): chr5:69,509,559, G>A. VCF-style: chr5-69509559-G-A. GRCh37 (hg19) VCF-style: chr5-68805386-G-A.
Other names: c.469G>A, p.Val157Ile (NM_001410743.1, NM_001438048.1, NM_001438604.1 and 1 more transcripts); c.-24-4389G>A (NM_001205255.2); short protein forms V157I.
Identifiers: ClinVar variation 1307044 (VCV001307044.4), dbSNP rs139928771, ClinGen allele CA3294449.

ClinVar aggregate classification (germline): Uncertain significance. Review status: criteria provided, multiple submitters, no conflicts (2 of 4 stars). 2 submissions from 2 submitters: Uncertain significance (2). Last evaluated 2023-08-04.

Conditions:
Inborn genetic diseases. Identifiers: MedGen C0950123, MeSH D030342.

Allele frequency attached by ClinVar (database versions not stated): 1000 Genomes Project 0.00020; 1000 Genomes Project 30x 0.00031.
gnomAD v4.1: 74 of 1,614,152 alleles (0.0046%); highest among the groups gnomAD compares: Middle Eastern, 0.016%; no homozygotes.

Submissions (2):

Ambry Genetics
Classification: Uncertain significance for Inborn genetic diseases. Last evaluated: 2023-08-04. Review status: criteria provided, single submitter. Criteria: Ambry Variant Classification Scheme 2023. Collection method: clinical testing. Allele origin: germline.

GeneDx
Classification: Uncertain significance. Last evaluated: 2019-07-18. Review status: criteria provided, single submitter. Criteria: GeneDx Variant Classification Process June 2021. Collection method: clinical testing. Allele origin: germline. Affected: yes.
Comment: Not observed at a significant frequency in large population cohorts (Lek et al., 2016); In silico analysis, which includes protein predictors and evolutionary conservation, supports that this variant does not alter protein structure/function; Has not been previously published as pathogenic or benign to our knowledge